The following is an entry in ClinVar:

NM_000069.3(CACNA1S):c.3873G>T (p.Lys1291Asn)

Gene: CACNA1S (calcium voltage-gated channel subunit alpha1 S; minus strand). Cytogenetic location: 1q32.1.
Variant type: single nucleotide variant.
Coding change: c.3873G>T on transcript NM_000069.3 (MANE Select); coding-DNA position 3873, G replaced by T.
Protein change: p.Lys1291Asn; replaces lysine 1291 with asparagine.
Molecular consequence: missense variant.
Genome position (GRCh38, 1-based): chr1:201,052,637, C>A on the plus strand (G>T on the coding strand, the complement: CACNA1S is on the minus strand). VCF-style: chr1-201052637-C-A. GRCh37 (hg19) VCF-style: chr1-201021765-C-A.
Other names: short protein forms K1291N.
Identifiers: ClinVar variation 1021634 (VCV001021634.10), dbSNP rs1660695433, ClinGen allele CA344152716.

ClinVar aggregate classification (germline): Uncertain significance. Review status: criteria provided, multiple submitters, no conflicts (2 of 4 stars). 7 submissions from 4 submitters: Uncertain significance (7). Last evaluated 2024-03-24.

Conditions:
Congenital myopathy 18. Also called: Myopathy, congenital, due to dihydropyridine receptor defect; DIHYDROPYRIDINE RECEPTOR CONGENITAL MYOPATHY; DHPR CONGENITAL MYOPATHY. Identifiers: MedGen C5830283, MONDO:0859514, OMIM 620246.
Malignant hyperthermia, susceptibility to, 5 (MHS5). Also called: CACNA1S-Related Malignant Hyperthermia Susceptibility. Identifiers: Orphanet 423, MedGen C1866077, MONDO:0011163, OMIM 601887.
Thyrotoxic periodic paralysis, susceptibility to, 1 (TTPP1). Identifiers: Orphanet 79102, MedGen C2749982, MONDO:0008570, OMIM 188580.
Hypokalemic periodic paralysis, type 1. Also called: HypoPP; Hypokalemic Periodic Paralysis Type 1 (AD). Identifiers: Orphanet 681, MedGen C3714580, MONDO:0042979, OMIM 170400.

Allele frequency attached by ClinVar (database versions not stated): TOPMed 0.00001.

Submissions (7):

All of Us Research Program, National Institutes of Health
Classification: Uncertain significance for Malignant hyperthermia, susceptibility to, 5. Last evaluated: 2024-03-24. Review status: criteria provided, single submitter. Criteria: ACMG Guidelines, 2015. Collection method: clinical testing. Allele origin: germline. Inheritance: Autosomal dominant inheritance. Observed: 1 variant allele, 1 heterozygote.
Comment: This missense variant replaces lysine with asparagine at codon 1291 of the CACNA1S protein. Computational prediction suggests that this variant may have deleterious impact on protein structure and function (internally defined REVEL score threshold >= 0.7, PMID: 27666373). To our knowledge, functional studies have not been reported for this variant. This variant has not been reported in individuals affected with CACNA1S-related disorders in the literature. This variant has not been identified in the general population by the Genome Aggregation Database (gnomAD). The available evidence is insufficient to determine the role of this variant in disease conclusively. Therefore, this variant is classified as a Variant of Uncertain Significance.

This study involves interpretation of variants in research participants for the purpose of population health screening. Participant phenotype was not available at the time of variant classification. Additional details can be found in publication PMID: 35346344, PMCID: PMC8962531

Genome-Nilou Lab
Classification: Uncertain significance for Malignant hyperthermia, susceptibility to, 5. Last evaluated: 2023-04-11. Review status: criteria provided, single submitter. Criteria: ACMG Guidelines, 2015. Collection method: clinical testing. Allele origin: germline. Affected: no.

Genome-Nilou Lab
Classification: Uncertain significance for Thyrotoxic periodic paralysis, susceptibility to, 1. Last evaluated: 2023-04-11. Review status: criteria provided, single submitter. Criteria: ACMG Guidelines, 2015. Collection method: clinical testing. Allele origin: germline. Affected: no.

Genome-Nilou Lab
Classification: Uncertain significance for Congenital myopathy 18. Last evaluated: 2023-04-11. Review status: criteria provided, single submitter. Criteria: ACMG Guidelines, 2015. Collection method: clinical testing. Allele origin: germline. Affected: no.

Genome-Nilou Lab
Classification: Uncertain significance for Hypokalemic periodic paralysis, type 1. Last evaluated: 2023-04-11. Review status: criteria provided, single submitter. Criteria: ACMG Guidelines, 2015. Collection method: clinical testing. Allele origin: germline. Affected: no.

Fulgent Genetics
Classification: Uncertain significance for Hypokalemic periodic paralysis, type 1; Thyrotoxic periodic paralysis, susceptibility to, 1; Malignant hyperthermia, susceptibility to, 5. Last evaluated: 2022-03-31. Review status: criteria provided, single submitter. Criteria: ACMG Guidelines, 2015. Collection method: clinical testing. Allele origin: unknown.

Labcorp Genetics (formerly Invitae), Labcorp
Classification: Uncertain significance for Hypokalemic periodic paralysis, type 1; Malignant hyperthermia, susceptibility to, 5. Last evaluated: 2020-01-04. Review status: criteria provided, single submitter. Criteria: Invitae Variant Classification Sherloc (09022015). Collection method: clinical testing. Allele origin: germline.
Comment: In summary, the available evidence is currently insufficient to determine the role of this variant in disease. Therefore, it has been classified as a Variant of Uncertain Significance. Algorithms developed to predict the effect of missense changes on protein structure and function (SIFT, PolyPhen-2, Align-GVGD) all suggest that this variant is likely to be disruptive, but these predictions have not been confirmed by published functional studies and their clinical significance is uncertain. This variant has not been reported in the literature in individuals with CACNA1S-related conditions. This variant is not present in population databases (ExAC no frequency). This sequence change replaces lysine with asparagine at codon 1291 of the CACNA1S protein (p.Lys1291Asn). The lysine residue is highly conserved and there is a moderate physicochemical difference between lysine and asparagine.